The following is an entry in ClinVar:

ClinVar aggregate classification (germline): Likely benign. Review status: criteria provided, multiple submitters, no conflicts (2 of 4 stars). 6 submissions from 6 submitters: Likely benign (3). 3 of the submissions do not count toward it. Last evaluated 2026-01-18.

Conditions:
Dilated cardiomyopathy 1G (CMD1G). Identifiers: Orphanet 154, MedGen C1858763, MONDO:0011400, OMIM 604145.
Autosomal recessive limb-girdle muscular dystrophy type 2J (LGMDR10). Also called: Limb-girdle muscular dystrophy, type 2J; MUSCULAR DYSTROPHY, LIMB-GIRDLE, AUTOSOMAL RECESSIVE 10. Identifiers: Orphanet 140922, MedGen C1837342, MONDO:0012127, OMIM 608807.

Allele frequency attached by ClinVar (database versions not stated): ExAC 0.00005; gnomAD 0.00005; gnomAD exomes 0.00005; TOPMed 0.00005.
gnomAD v4.1: 76 of 1,613,906 alleles (0.0047%); highest among the groups gnomAD compares: Non-Finnish European, 0.0063%; no homozygotes.

Submissions (6):

Labcorp Genetics (formerly Invitae), Labcorp
Classification: Likely benign for Dilated cardiomyopathy 1G; Autosomal recessive limb-girdle muscular dystrophy type 2J. Last evaluated: 2026-01-18. Review status: criteria provided, single submitter. Criteria: Invitae Variant Classification Sherloc (09022015). Collection method: clinical testing. Allele origin: germline.

Mayo Clinic Laboratories, Mayo Clinic
Classification: Likely benign. Last evaluated: 2025-10-21. Review status: criteria provided, single submitter. Criteria: ACMG Guidelines, 2015. Collection method: clinical testing. Allele origin: germline. Observed: 2 variant alleles.
Comment: BP4, BP7

GeneDx
Classification: Likely benign. Last evaluated: 2017-08-11. Review status: criteria provided, single submitter. Criteria: GeneDx Variant Classification (06012015). Collection method: clinical testing. Allele origin: germline. Affected: yes.
Comment: This variant is considered likely benign or benign based on one or more of the following criteria: it is a conservative change, it occurs at a poorly conserved position in the protein, it is predicted to be benign by multiple in silico algorithms, and/or has population frequency not consistent with disease.

Clinical Genetics DNA and cytogenetics Diagnostics Lab, Erasmus MC, Erasmus Medical Center
Classification: Benign. Review status: no assertion criteria provided. Collection method: clinical testing. Allele origin: germline. Affected: yes. Study: VKGL Data-share Consensus. Not counted in ClinVar's aggregate classification.

Clinical Genetics, Academic Medical Center
Classification: Benign. Review status: no assertion criteria provided. Collection method: clinical testing. Allele origin: germline. Affected: yes. Study: VKGL Data-share Consensus. Not counted in ClinVar's aggregate classification.

Genome Diagnostics Laboratory, University Medical Center Utrecht
Classification: Likely benign. Review status: no assertion criteria provided. Collection method: clinical testing. Allele origin: germline. Affected: yes. Study: VKGL Data-share Consensus. Not counted in ClinVar's aggregate classification.

NM_001267550.2(TTN):c.3380+9A>G

Gene: TTN (titin; minus strand). Cytogenetic location: 2q31.2.
Variant type: single nucleotide variant.
Coding change: c.3380+9A>G on transcript NM_001267550.2 (MANE Select); 9 bases into the intron after coding-DNA position 3380, A replaced by G.
Molecular consequence: intron variant.
Genome position (GRCh38, 1-based): chr2:178,782,203, T>C on the plus strand (A>G on the coding strand, the complement: TTN is on the minus strand). VCF-style: chr2-178782203-T-C. GRCh37 (hg19) VCF-style: chr2-179646930-T-C.
Other names: p.?; c.3242+9A>G (NM_003319.4, NM_133437.4, NM_133432.3); c.3380+9A>G (NM_133378.4, NM_001256850.1, NM_133379.5).
Identifiers: ClinVar variation 511501 (VCV000511501.16), dbSNP rs770149480, ClinGen allele CA2005578.